The following is an entry in ClinVar:

ClinVar aggregate classification (germline): Uncertain significance (1 of 4 stars; one submission).

Conditions:
Tyrosinemia type I (TYRSN1). Also called: Tyrosinemia type 1; Fumarylacetoacetase deficiency; Deficiency of fumarylacetoacetase; HEPATORENAL TYROSINEMIA; FAH DEFICIENCY. Identifiers: Orphanet 882, MedGen C0268490, MONDO:0010161, OMIM 276700. Disease mechanism: loss of function.

gnomAD v4.1: 2 of 1,614,240 alleles (0.00012%); highest among the groups gnomAD compares: Admixed American, 0.0017%; no homozygotes.

Submission:

Labcorp Genetics (formerly Invitae), Labcorp
Classification: Uncertain significance for Tyrosinemia type I. Last evaluated: 2024-07-24. Review status: criteria provided, single submitter. Criteria: Invitae Variant Classification Sherloc (09022015). Collection method: clinical testing. Allele origin: germline.
Comment: This sequence change replaces glutamine, which is neutral and polar, with proline, which is neutral and non-polar, at codon 86 of the FAH protein (p.Gln86Pro). This variant is present in population databases (no rsID available, gnomAD 0.003%). This variant has not been reported in the literature in individuals affected with FAH-related conditions. Advanced modeling of protein sequence and biophysical properties (such as structural, functional, and spatial information, amino acid conservation, physicochemical variation, residue mobility, and thermodynamic stability) performed at Invitae indicates that this missense variant is expected to disrupt FAH protein function with a positive predictive value of 80%. In summary, the available evidence is currently insufficient to determine the role of this variant in disease. Therefore, it has been classified as a Variant of Uncertain Significance.

NM_000137.4(FAH):c.257A>C (p.Gln86Pro)

Gene: FAH (fumarylacetoacetate hydrolase; plus strand). Cytogenetic location: 15q25.1.
Variant type: single nucleotide variant.
Coding change: c.257A>C on transcript NM_000137.4 (MANE Select); coding-DNA position 257, A replaced by C.
Protein change: p.Gln86Pro; replaces glutamine 86 with proline.
Molecular consequence: missense variant.
Genome position (GRCh38, 1-based): chr15:80,159,820, A>C. VCF-style: chr15-80159820-A-C. GRCh37 (hg19) VCF-style: chr15-80452162-A-C.
Other names: c.257A>C, p.Gln86Pro (NM_001374377.1, NM_001374380.1); short protein forms Q86P.
Identifiers: ClinVar variation 3610779 (VCV003610779.1).